The following is an entry in ClinVar:

ClinVar aggregate classification (germline): Pathogenic (1 of 4 stars; one submission).

Conditions:
Hepatic methionine adenosyltransferase deficiency. Also called: MAT I/III DEFICIENCY; Deficiency of methionine adenosyltransferase; Isolated Persistent Hypermethioninemia; Methionine adenosyltransferase deficiency. Identifiers: Orphanet 168598, MedGen C0268621, MeSH C564683, MONDO:0009607, OMIM 250850.

gnomAD v4.1: 1 of 1,613,328 alleles (0.000062%); highest among the groups gnomAD compares: Admixed American, 0.0017%; no homozygotes.

Submission:

Labcorp Genetics (formerly Invitae), Labcorp
Classification: Pathogenic for Hepatic methionine adenosyltransferase deficiency. Last evaluated: 2026-01-08. Review status: criteria provided, single submitter. Criteria: Invitae Variant Classification Sherloc (09022015). Collection method: clinical testing. Allele origin: germline.
Comment: This sequence change creates a premature translational stop signal (p.Trp274*) in the MAT1A gene. It is expected to result in an absent or disrupted protein product. Loss-of-function variants in MAT1A are known to be pathogenic (PMID: 20675163, 24231718). This variant is not present in population databases (gnomAD no frequency). This variant has not been reported in the literature in individuals affected with MAT1A-related conditions. For these reasons, this variant has been classified as Pathogenic.

Literature cited by the submitters: PubMed 20675163; PubMed 24231718.

NM_000429.3(MAT1A):c.821G>A (p.Trp274Ter)

Gene: MAT1A (methionine adenosyltransferase 1A; minus strand). Cytogenetic location: 10q22.3.
Variant type: single nucleotide variant.
Coding change: c.821G>A on transcript NM_000429.3 (MANE Select); coding-DNA position 821, G replaced by A.
Protein change: p.Trp274Ter; replaces tryptophan 274 with a stop codon.
Molecular consequence: nonsense.
Genome position (GRCh38, 1-based): chr10:80,275,147, C>T on the plus strand (G>A on the coding strand, the complement: MAT1A is on the minus strand). VCF-style: chr10-80275147-C-T. GRCh37 (hg19) VCF-style: chr10-82034903-C-T.
Other names: short protein forms W274*.
Identifiers: ClinVar variation 4767583 (VCV004767583.1).
Genomic context (GRCh38, chr10:80,275,147, plus strand): 5'-GCTGAGCGGTCTACCTTGGTGTAGTCCTTCCCAGAGAAGGCCCCACCACCATGAGCCCCC[C>T]AGCCGCCATAGGTGTCCACAATAATCTTACGGCCAGTGACACCCGCATCCCCCTGCAGAG-3'